The following is an entry in ClinVar:

NM_001370259.2(MEN1):c.406G>C (p.Asp136His)

Gene: MEN1 (menin 1; minus strand). Cytogenetic location: 11q13.1.
Variant type: single nucleotide variant.
Coding change: c.406G>C on transcript NM_001370259.2 (MANE Select); coding-DNA position 406, G replaced by C.
Protein change: p.Asp136His; replaces aspartic acid 136 with histidine.
Molecular consequence: missense variant.
Genome position (GRCh38, 1-based): chr11:64,809,704, C>G on the plus strand (G>C on the coding strand, the complement: MEN1 is on the minus strand). VCF-style: chr11-64809704-C-G. GRCh37 (hg19) VCF-style: chr11-64577176-C-G.
Other names: c.406G>C (NM_130799.2, NM_000244.3); c.406G>C, p.Asp136His (NM_000244.4, NM_001370251.2, NM_001370260.2 and 9 more transcripts); short protein forms D136H.
Identifiers: ClinVar variation 1026701 (VCV001026701.10), dbSNP rs1941979334, ClinGen allele CA381186839.

ClinVar aggregate classification (germline): Uncertain significance. Review status: criteria provided, multiple submitters, no conflicts (2 of 4 stars). 3 submissions from 3 submitters: Uncertain significance (3). Last evaluated 2026-03-31.

Conditions:
MEN1-related disorder. Also called: MEN1-related condition.
Hereditary cancer-predisposing syndrome. Also called: Hereditary neoplastic syndrome; Neoplastic Syndromes, Hereditary; Tumor predisposition; Hereditary Cancer Syndrome. Identifiers: Orphanet 140162, MedGen C0027672, MeSH D009386, MONDO:0015356.
Multiple endocrine neoplasia, type 1 (MEN1). Also called: MEA I; MEN I; WERMER SYNDROME; Endocrine adenomatosis multiple; MEN 1. Identifiers: Orphanet 652, MedGen C0025267, MeSH D018761, MONDO:0007540, OMIM 131100.

Submissions (3):

Ambry Genetics
Classification: Uncertain significance for Hereditary cancer-predisposing syndrome. Last evaluated: 2026-03-31. Review status: criteria provided, single submitter. Criteria: Ambry Variant Classification Scheme 2023. Collection method: clinical testing. Allele origin: germline.
Comment: The p.D136H variant (also known as c.406G>C), located in coding exon 1 of the MEN1 gene, results from a G to C substitution at nucleotide position 406. The aspartic acid at codon 136 is replaced by histidine, an amino acid with similar properties. This amino acid position is highly conserved in available vertebrate species. In addition, this alteration is predicted to be deleterious by in silico analysis. Based on the available evidence, the clinical significance of this variant remains unclear.

Labcorp Genetics (formerly Invitae), Labcorp
Classification: Uncertain significance for Multiple endocrine neoplasia, type 1. Last evaluated: 2022-11-28. Review status: criteria provided, single submitter. Criteria: Invitae Variant Classification Sherloc (09022015). Collection method: clinical testing. Allele origin: germline.
Comment: Advanced modeling of protein sequence and biophysical properties (such as structural, functional, and spatial information, amino acid conservation, physicochemical variation, residue mobility, and thermodynamic stability) performed at Invitae indicates that this missense variant is expected to disrupt MEN1 protein function. This sequence change replaces aspartic acid, which is acidic and polar, with histidine, which is basic and polar, at codon 136 of the MEN1 protein (p.Asp136His). This variant is not present in population databases (gnomAD no frequency). This variant has not been reported in the literature in individuals affected with MEN1-related conditions. ClinVar contains an entry for this variant (Variation ID: 1026701). In summary, the available evidence is currently insufficient to determine the role of this variant in disease. Therefore, it has been classified as a Variant of Uncertain Significance.

PreventionGenetics, part of Exact Sciences
Classification: Uncertain significance for MEN1-related condition. Last evaluated: 2022-10-26. Review status: criteria provided, single submitter. Criteria: ACMG Guidelines, 2015. Collection method: clinical testing. Allele origin: germline.
Comment: The MEN1 c.406G>C variant is predicted to result in the amino acid substitution p.Asp136His. To our knowledge, this variant has not been reported in the literature or in a large population database, indicating this variant is rare. This variant has been interpreted as uncertain in ClinVar. At this time, the clinical significance of this variant is uncertain due to the absence of conclusive functional and genetic evidence.